The following is an entry in ClinVar:

NM_001320.7(CSNK2B):c.472del (p.Tyr158fs)

Gene: CSNK2B (casein kinase 2 beta; plus strand). Cytogenetic location: 6p21.33.
Variant type: Deletion.
Coding change: c.472del on transcript NM_001320.7 (MANE Select); coding-DNA position 472, one base deleted (T; older notation c.472delT).
Protein change: p.Tyr158fs; shifts the reading frame from tyrosine 158.
Molecular consequence: frameshift variant.
Genome position (GRCh38, 1-based): chr6:31,669,423, T deleted. VCF-style (leftmost placement, unchanged base first): chr6-31669422-CT-C. GRCh37 (hg19) VCF-style: chr6-31637199-CT-C.
Other names: c.463del, p.Tyr155fs (NM_001282385.2); short protein forms Y155fs, Y158fs.
Identifiers: ClinVar variation 1299532 (VCV001299532.1), dbSNP rs2151188896, ClinGen allele CA2499218207.

ClinVar aggregate classification (germline): Pathogenic (1 of 4 stars; one submission).

Conditions:
Poirier-Bienvenu neurodevelopmental syndrome (POBINDS). Identifiers: Orphanet 689397, MedGen C5231482, MONDO:0032889, OMIM 618732.

Submission:

Laboratory of Medical Genetics, National & Kapodistrian University of Athens
Classification: Pathogenic for Poirier-Bienvenu neurodevelopmental syndrome. Last evaluated: 2021-08-10. Review status: criteria provided, single submitter. Criteria: ACMG Guidelines, 2015. Collection method: clinical testing. Allele origin: unknown. Affected: yes.
Comment: PVS1, PS2, PM2, PP3